The following is an entry in ClinVar:

ClinVar aggregate classification (germline): Uncertain significance (1 of 4 stars; one submission).

Allele frequency attached by ClinVar (database versions not stated): TOPMed 0.00051; gnomAD 0.00088 and 0.00076; 1000 Genomes Project 0.00200; gnomAD exomes 0.00042 and 0.00125; ExAC 0.00113; ESP Exome Variant Server 0.00015; 1000 Genomes Project 30x 0.00187.
gnomAD v4.1: 754 of 1,613,954 alleles (0.047%); highest among the groups gnomAD compares: East Asian, 0.65%; no homozygotes.

Submissions (3):

New York Genome Center
Classification: Uncertain significance. Last evaluated: 2021-05-03. Review status: criteria provided, single submitter. Criteria: NYGC Assertion Criteria 2020. Collection method: clinical testing. Allele origin: inherited. Observed: 1 compound heterozygote. Study: CSER-NYCKidSeq.
Comment: The inherited c.2983A>G (p.Ser995Gly) variant in exon 20 of 22 of the RBL2 gene has not been reported in affected individuals in the available literature. This variant is present in gnomAD v3 at a low frequency (134/152146 alleles, allele frequency = 0.0008807, 0 homozygotes) suggesting it is not a common benign variant in the populations represented in this database. In silico predictors suggest this variant is tolerated (SIFT; score: 0.174) and benign (REVEL; score: 0.3869). Given the lack of genetic evidence, and functional studies, the inherited c.2983A>G (p.Ser995Gly) variant identified in the RBL2 gene is classified as a variant of uncertain significance.

Dr. Peter K. Rogan Lab, Western University
No classification provided (evidence only). Condition: Hepatocellular carcinoma. Review status: no classification provided. Collection method: in vitro. Allele origin: not applicable. Functional consequence: retained intron. Not counted in ClinVar's aggregate classification.

Dr. Peter K. Rogan Lab, Western University
No classification provided (evidence only). Condition: Malignant tumor of esophagus. Review status: no classification provided. Collection method: in vitro. Allele origin: not applicable. Functional consequence: retained intron. Not counted in ClinVar's aggregate classification.

NM_005611.4(RBL2):c.2983A>G (p.Ser995Gly)

Gene: RBL2 (RB transcriptional corepressor like 2; plus strand). Cytogenetic location: 16q12.2.
Variant type: single nucleotide variant.
Coding change: c.2983A>G on transcript NM_005611.4 (MANE Select); coding-DNA position 2983, A replaced by G.
Protein change: p.Ser995Gly; replaces serine 995 with glycine.
Molecular consequence: missense variant.
Genome position (GRCh38, 1-based): chr16:53,480,668, A>G. VCF-style: chr16-53480668-A-G. GRCh37 (hg19) VCF-style: chr16-53514580-A-G.
Other names: NC_000016.9:g.53514580A>G; c.2983A>G, p.Ser995Gly (NM_001323608.2); c.2911A>G, p.Ser971Gly (NM_001323609.2); c.2836A>G, p.Ser946Gly (NM_001323610.2); c.2761A>G, p.Ser921Gly (NM_001323611.1); short protein forms S921G, S946G, S971G, S995G.
Identifiers: ClinVar variation 1342640 (VCV001342640.2), dbSNP rs199555150, ClinGen allele CA8056694.